The following is an entry in ClinVar:

NM_001848.3(COL6A1):c.5G>A (p.Arg2Lys)

Gene: COL6A1 (collagen type VI alpha 1 chain; plus strand). Cytogenetic location: 21q22.3.
Variant type: single nucleotide variant.
Coding change: c.5G>A on transcript NM_001848.3 (MANE Select); coding-DNA position 5, G replaced by A.
Protein change: p.Arg2Lys; replaces arginine 2 with lysine.
Molecular consequence: missense variant.
Genome position (GRCh38, 1-based): chr21:45,981,855, G>A. VCF-style: chr21-45981855-G-A. GRCh37 (hg19) VCF-style: chr21-47401769-G-A.
Other names: short protein forms R2K.
Identifiers: ClinVar variation 577490 (VCV000577490.9), dbSNP rs1305504243, ClinGen allele CA410513724.

ClinVar aggregate classification (germline): Uncertain significance (1 of 4 stars; one submission).

Conditions:
Bethlem myopathy 1A. Also called: Bethlem myopathy 1; MYOPATHY, BENIGN CONGENITAL, WITH CONTRACTURES; Bethlem Muscular Dystrophy. Identifiers: Orphanet 610, MedGen CN029274, MONDO:0024530, OMIM 158810.

Allele frequency attached by ClinVar (database versions not stated): gnomAD exomes 0.00001.
gnomAD v4.1: 7 of 1,586,558 alleles (0.00044%); highest among the groups gnomAD compares: Non-Finnish European, 0.00051%; no homozygotes.

Submission:

Labcorp Genetics (formerly Invitae), Labcorp
Classification: Uncertain significance for Bethlem myopathy 1A. Last evaluated: 2018-02-08. Review status: criteria provided, single submitter. Criteria: Invitae Variant Classification Sherloc (09022015). Collection method: clinical testing. Allele origin: germline.
Comment: In summary, the available evidence is currently insufficient to determine the role of this variant in disease. Therefore, it has been classified as a Variant of Uncertain Significance. Algorithms developed to predict the effect of missense changes on protein structure and function output the following: SIFT: "Tolerated"; Align-GVGD: "Class C0". The lysine amino acid residue is found in multiple mammalian species, suggesting that this missense change does not adversely affect protein function. These predictions have not been confirmed by published functional studies and their clinical significance is uncertain. This variant has not been reported in the literature in individuals with COL6A1-related disease. This variant is not present in population databases (ExAC no frequency). This sequence change replaces arginine with lysine at codon 2 of the COL6A1 protein (p.Arg2Lys). The arginine residue is moderately conserved and there is a small physicochemical difference between arginine and lysine.